The following is an entry in ClinVar:

NM_001355436.2(SPTB):c.3764+9G>A

Gene: SPTB (spectrin beta, erythrocytic; minus strand). Cytogenetic location: 14q23.3.
Variant type: single nucleotide variant.
Coding change: c.3764+9G>A on transcript NM_001355436.2 (MANE Select); 9 bases into the intron after coding-DNA position 3764, G replaced by A.
Molecular consequence: intron variant.
Genome position (GRCh38, 1-based): chr14:64,785,740, C>T on the plus strand (G>A on the coding strand, the complement: SPTB is on the minus strand). VCF-style: chr14-64785740-C-T. GRCh37 (hg19) VCF-style: chr14-65252458-C-T.
Other names: p.?; c.3764+9G>A (NM_001024858.4, NM_001355437.2).
Identifiers: ClinVar variation 1679426 (VCV001679426.15), dbSNP rs150423485, ClinGen allele CA7230541.

ClinVar aggregate classification (germline): Benign/Likely benign. Review status: criteria provided, multiple submitters, no conflicts (2 of 4 stars). 4 submissions from 4 submitters: Benign (3); Likely benign (1). Last evaluated 2025-12-22.

Conditions:
Elliptocytosis 3 (EL3). Identifiers: MedGen C1866810, MONDO:0054780, OMIM 617948.
Hereditary spherocytosis type 2. Also called: SPHEROCYTOSIS, TYPE 2, AUTOSOMAL DOMINANT. Identifiers: Orphanet 822, MedGen C2674219, MONDO:0000913, OMIM 616649.

Allele frequency attached by ClinVar (database versions not stated): gnomAD exomes 0.00056 and 0.00146; ExAC 0.00184; gnomAD 0.00495 and 0.00537; 1000 Genomes Project 30x 0.00515; 1000 Genomes Project 0.00559; ESP Exome Variant Server 0.00592; TOPMed 0.00602.
gnomAD v4.1: 1,603 of 1,614,050 alleles (0.099%); highest among the groups gnomAD compares: African/African-American, 1.8%; 17 homozygotes.

Submissions (4):

Labcorp Genetics (formerly Invitae), Labcorp
Classification: Benign. Last evaluated: 2025-12-22. Review status: criteria provided, single submitter. Criteria: Invitae Variant Classification Sherloc (09022015). Collection method: clinical testing. Allele origin: germline.

Mayo Clinic Laboratories, Mayo Clinic
Classification: Benign. Last evaluated: 2025-11-04. Review status: criteria provided, single submitter. Criteria: ACMG Guidelines, 2015. Collection method: clinical testing. Allele origin: germline. Observed: 26 variant alleles.
Comment: BS2

ARUP Laboratories, Molecular Genetics and Genomics, ARUP Laboratories
Classification: Benign. Last evaluated: 2025-07-01. Review status: criteria provided, single submitter. Criteria: ARUP Molecular Germline Variant Investigation Process 2024. Collection method: clinical testing. Allele origin: germline.

Fulgent Genetics
Classification: Likely benign for Hereditary spherocytosis type 2; Elliptocytosis 3. Last evaluated: 2022-05-11. Review status: criteria provided, single submitter. Criteria: ACMG Guidelines, 2015. Collection method: clinical testing. Allele origin: unknown.